The following is an entry in ClinVar:

NM_000188.3(HK1):c.1540T>G (p.Ser514Ala)

Gene: HK1 (hexokinase 1; plus strand). Cytogenetic location: 10q22.1.
Variant type: single nucleotide variant.
Coding change: c.1540T>G on transcript NM_000188.3 (MANE Select); coding-DNA position 1540, T replaced by G.
Protein change: p.Ser514Ala; replaces serine 514 with alanine.
Molecular consequence: missense variant.
Genome position (GRCh38, 1-based): chr10:69,382,761, T>G. VCF-style: chr10-69382761-T-G. GRCh37 (hg19) VCF-style: chr10-71142517-T-G.
Other names: c.1552T>G, p.Ser518Ala (NM_001322364.2, NM_001358263.1, NM_033497.3 and 1 more transcripts); c.1645T>G, p.Ser549Ala (NM_001322365.2); c.1456T>G, p.Ser486Ala (NM_001322366.1); c.1444T>G, p.Ser482Ala (NM_001322367.1); c.1537T>G, p.Ser513Ala (NM_033496.3); c.1504T>G, p.Ser502Ala (NM_033500.2); short protein forms S502A, S482A, S486A, S513A, S549A, S514A, S518A.
Identifiers: ClinVar variation 1916302 (VCV001916302.5), dbSNP rs1447166315, ClinGen allele CA376910280.
Genomic context (GRCh38, chr10:69,382,761, plus strand): 5'-GAGATGGAGCTGGGGCTGAGGAAGCAGACGCACAACAATGCCGTGGTTAAGATGCTGCCC[T>G]CCTTCGTCCGGAGAACTCCCGACGGGACCGGTGAGGGCCTGCTGGGGGCTGACATGCCTG-3'
Protein context (NP_000179.2, residues 504-524): HNNAVVKMLP[Ser514Ala]FVRRTPDGTE

ClinVar aggregate classification (germline): Uncertain significance (1 of 4 stars; one submission).

Allele frequency attached by ClinVar (database versions not stated): gnomAD exomes below 0.00001.
gnomAD v4.1: 2 of 1,612,804 alleles (0.00012%); highest among the groups gnomAD compares: Non-Finnish European, 0.00017%; no homozygotes.

Submission:

Labcorp Genetics (formerly Invitae), Labcorp
Classification: Uncertain significance. Last evaluated: 2024-09-17. Review status: criteria provided, single submitter. Criteria: Invitae Variant Classification Sherloc (09022015). Collection method: clinical testing. Allele origin: germline.
Comment: This sequence change replaces serine, which is neutral and polar, with alanine, which is neutral and non-polar, at codon 514 of the HK1 protein (p.Ser514Ala). This variant is present in population databases (no rsID available, gnomAD 0.0009%). This variant has not been reported in the literature in individuals affected with HK1-related conditions. ClinVar contains an entry for this variant (Variation ID: 1916302). Invitae Evidence Modeling of protein sequence and biophysical properties (such as structural, functional, and spatial information, amino acid conservation, physicochemical variation, residue mobility, and thermodynamic stability) indicates that this missense variant is not expected to disrupt HK1 protein function with a negative predictive value of 80%. In summary, the available evidence is currently insufficient to determine the role of this variant in disease. Therefore, it has been classified as a Variant of Uncertain Significance.